The following is an entry in ClinVar:

ClinVar aggregate classification (germline): Conflicting classifications of pathogenicity. Review status: criteria provided, conflicting classifications (1 of 4 stars). 4 submissions from 3 submitters: Uncertain significance (3); Likely benign (1). Last evaluated 2025-04-14.

Conditions:
Cardiovascular phenotype. Identifiers: MedGen CN230736.
Hereditary cancer-predisposing syndrome. Also called: Hereditary Cancer Syndrome; Neoplastic Syndromes, Hereditary; Tumor predisposition; Hereditary neoplastic syndrome. Identifiers: Orphanet 140162, MedGen C0027672, MeSH D009386, MONDO:0015356.
Neurofibromatosis, type 1 (NF1). Also called: Neurofibromatosis, type I; VON RECKLINGHAUSEN DISEASE; NEUROFIBROMATOSIS, TYPE I, SOMATIC; Peripheral type neurofibromatosis. Identifiers: Orphanet 636, MedGen C0027831, MONDO:0018975, OMIM 162200. Disease mechanism: loss of function.

Allele frequency attached by ClinVar (database versions not stated): gnomAD exomes below 0.00001.
gnomAD v4.1: 4 of 1,613,370 alleles (0.00025%); highest among the groups gnomAD compares: Non-Finnish European, 0.00034%; no homozygotes.

Submissions (4):

Labcorp Genetics (formerly Invitae), Labcorp
Classification: Uncertain significance for Neurofibromatosis, type 1. Last evaluated: 2025-04-14. Review status: criteria provided, single submitter. Criteria: Invitae Variant Classification Sherloc (09022015). Collection method: clinical testing. Allele origin: germline.
Comment: This sequence change affects codon 2602 of the NF1 mRNA. It is a 'silent' change, meaning that it does not change the encoded amino acid sequence of the NF1 protein. It affects a nucleotide within the consensus splice site. This variant is not present in population databases (gnomAD no frequency). This variant has not been reported in the literature in individuals affected with NF1-related conditions. ClinVar contains an entry for this variant (Variation ID: 232073). Algorithms developed to predict the effect of sequence changes on RNA splicing suggest that this variant is not likely to affect RNA splicing. In summary, the available evidence is currently insufficient to determine the role of this variant in disease. Therefore, it has been classified as a Variant of Uncertain Significance.

Ambry Genetics
Classification: Likely benign for Cardiovascular phenotype; Hereditary cancer-predisposing syndrome. Last evaluated: 2022-12-29. Review status: criteria provided, single submitter. Criteria: Ambry Variant Classification Scheme 2023. Collection method: clinical testing. Allele origin: germline.

Genome-Nilou Lab
Classification: Uncertain significance for Neurofibromatosis, type 1. Last evaluated: 2022-03-15. Review status: criteria provided, single submitter. Criteria: ACMG Guidelines, 2015. Collection method: clinical testing. Allele origin: germline. Affected: no.

Ambry Genetics
Classification: Uncertain significance for Hereditary cancer-predisposing syndrome. Last evaluated: 2015-06-01. Review status: criteria provided, single submitter. Criteria: Ambry Autosomal Dominant and X-Linked criteria (10/2015). Collection method: clinical testing. Allele origin: germline. Observed: 1 variant allele.
Comment: The c.7869A>G variant (also known as p.L2623L), located in coding exon 53 of the NF1 gene, results from an A to G substitution at nucleotide position 7869. This nucleotide substitution does not change the at codon 2623. However, this change occurs in the last base pair of coding exon 53, which makes it likely to have some effect on normal mRNA splicing. This variant was not reported in population based cohorts in the following databases: Database of Single Nucleotide Polymorphisms (dbSNP), NHLBI Exome Sequencing Project (ESP), and 1000 Genomes Project. In the ESP, this variant was not observed in 6503 samples (13006 alleles) with coverage at this position. To date, this alteration has been detected with an allele frequency of approximately 0.002% (greater than 55000alleles tested) in our clinical cohort.This nucleotide position is poorly conserved in available vertebrate species. Using the BDGP and ESEfinder splice site prediction tools, this alteration is not predicted to have any significant effect on this acceptor/donor splice site; however, direct evidence is unavailable.Since supporting evidence is limited at this time, the clinical significance of c.7869A>G remains unclear.

NM_001042492.3(NF1):c.7869A>G (p.Leu2623=)

Gene: NF1 (neurofibromin 1; plus strand). Cytogenetic location: 17q11.2.
Variant type: single nucleotide variant.
Coding change: c.7869A>G on transcript NM_001042492.3 (MANE Select); coding-DNA position 7869, A replaced by G.
Protein change: p.Leu2623=; no amino-acid change (leucine 2623 retained).
Molecular consequence: synonymous variant.
Genome position (GRCh38, 1-based): chr17:31,357,090, A>G. VCF-style: chr17-31357090-A-G. GRCh37 (hg19) VCF-style: chr17-29684108-A-G.
Other names: c.7806A>G, p.Leu2602= (NM_000267.4).
Identifiers: ClinVar variation 232073 (VCV000232073.13), dbSNP rs876659536, ClinGen allele CA10580426.